The following is an entry in ClinVar:

NM_000257.4(MYH7):c.896-15T>A

Gene: MYH7 (myosin heavy chain 7; minus strand). Cytogenetic location: 14q11.2.
Variant type: single nucleotide variant.
Coding change: c.896-15T>A on transcript NM_000257.4 (MANE Select); 15 bases into the intron before coding-DNA position 896, T replaced by A.
Molecular consequence: intron variant.
Genome position (GRCh38, 1-based): chr14:23,430,678, A>T on the plus strand (T>A on the coding strand, the complement: MYH7 is on the minus strand). VCF-style: chr14-23430678-A-T. GRCh37 (hg19) VCF-style: chr14-23899887-A-T.
Other names: c.896-15T>A (NM_001407004.1).
Identifiers: ClinVar variation 2773965 (VCV002773965.2), dbSNP rs749069871, ClinGen allele CA2697553852.

ClinVar aggregate classification (germline): Uncertain significance (1 of 4 stars; one submission).

Conditions:
Cardiomyopathy (CMYO). Also called: Cardiomyopathies. Identifiers: Orphanet 167848, MedGen C0878544, MONDO:0004994, HP:0001638. Inheritance: Various modes of inheritance.

Submission:

Color Diagnostics, LLC DBA Color Health
Classification: Uncertain significance for Cardiomyopathy. Last evaluated: 2022-10-25. Review status: criteria provided, single submitter. Criteria: ACMG Guidelines, 2015. Collection method: clinical testing. Allele origin: germline.
Comment: This variant causes a T to A nucleotide substitution at the -15 position of intron 10 of the MYH7 gene. To our knowledge, functional studies have not been reported for this variant. This variant has not been reported in individuals affected with cardiovascular disorders in the literature. This variant has not been identified in the general population by the Genome Aggregation Database (gnomAD). The available evidence is insufficient to determine the role of this variant in disease conclusively. Therefore, this variant is classified as a Variant of Uncertain Significance.